The following is an entry in ClinVar:

NM_000503.6(EYA1):c.632C>A (p.Ser211Ter)

Gene: EYA1 (EYA transcriptional coactivator and phosphatase 1; minus strand). Cytogenetic location: 8q13.3.
Variant type: single nucleotide variant.
Coding change: c.632C>A on transcript NM_000503.6 (MANE Select); coding-DNA position 632, C replaced by A.
Protein change: p.Ser211Ter; replaces serine 211 with a stop codon.
Molecular consequence: nonsense.
Genome position (GRCh38, 1-based): chr8:71,299,645, G>T on the plus strand (C>A on the coding strand, the complement: EYA1 is on the minus strand). VCF-style: chr8-71299645-G-T. GRCh37 (hg19) VCF-style: chr8-72211880-G-T.
Other names: c.614C>A, p.Ser205Ter (NM_001288574.2); c.266C>A, p.Ser89Ter (NM_001288575.2); c.719C>A, p.Ser240Ter (NM_001370333.1); c.632C>A, p.Ser211Ter (NM_001370334.1, NM_001370335.1, NM_172058.4); c.701C>A, p.Ser234Ter (NM_001370336.1); c.533C>A, p.Ser178Ter (NM_001411797.1, NM_172060.4); c.704C>A, p.Ser235Ter (NM_172059.5); short protein forms S178*, S205*, S211*, S234*, S235*, S240*, S89*.
Identifiers: ClinVar variation 3601112 (VCV003601112.1).

ClinVar aggregate classification (germline): Pathogenic (1 of 4 stars; one submission).

Conditions:
Branchiootorenal syndrome 1. Also called: Branchio-Oto-Renal Syndrome 1. Identifiers: Orphanet 107, MedGen C4551702, MONDO:0007236, OMIM 113650.

gnomAD v4.1: 1 of 1,563,664 alleles (0.000064%); highest among the groups gnomAD compares: Non-Finnish European, 0.000088%; no homozygotes.

Submission:

Institute of Rare Diseases, West China Hospital, Sichuan University
Classification: Pathogenic for Branchiootorenal syndrome 1. Last evaluated: 2025-01-09. Review status: criteria provided, single submitter. Criteria: ClinGen HL ACMG Specifications v1. Collection method: research. Allele origin: germline. Affected: yes.
Comment: PVS1;PM2_Supporting;PS1